The following is an entry in ClinVar:

ClinVar aggregate classification (germline): Conflicting classifications of pathogenicity. Review status: criteria provided, conflicting classifications (1 of 4 stars). 4 submissions from 4 submitters: Uncertain significance (3); Benign (1). Last evaluated 2025-08-16.

Conditions:
Cardiovascular phenotype. Identifiers: MedGen CN230736.
Familial isolated arrhythmogenic right ventricular dysplasia. Identifiers: Orphanet 217656, MedGen C4274968, MONDO:0016342.
Cardiomyopathy (CMYO). Also called: Cardiomyopathies. Identifiers: Orphanet 167848, MedGen C0878544, MONDO:0004994, HP:0001638. Inheritance: Various modes of inheritance.
Arrhythmogenic right ventricular dysplasia 11. Also called: ARRHYTHMOGENIC RIGHT VENTRICULAR DYSPLASIA, FAMILIAL, 11; Arrhythmogenic Right Ventricular Dysplasia/Cardiomyopathy11; Arrhythmogenic right ventricular dysplasia 11 with mild palmoplantar keratoderma and woolly hair. Identifiers: MedGen C1864850, MONDO:0012506, OMIM 610476.

Allele frequency attached by ClinVar (database versions not stated): TOPMed 0.00001; ESP Exome Variant Server 0.00008; gnomAD 0.00001.
gnomAD v4.1: 56 of 1,613,980 alleles (0.0035%); highest among the groups gnomAD compares: Non-Finnish European, 0.0046%; no homozygotes.

Submissions (4):

Labcorp Genetics (formerly Invitae), Labcorp
Classification: Uncertain significance for Arrhythmogenic right ventricular dysplasia 11. Last evaluated: 2025-08-16. Review status: criteria provided, single submitter. Criteria: Invitae Variant Classification Sherloc (09022015). Collection method: clinical testing. Allele origin: germline.
Comment: This sequence change replaces arginine, which is basic and polar, with leucine, which is neutral and non-polar, at codon 680 of the DSC2 protein (p.Arg680Leu). This variant is present in population databases (rs374002111, gnomAD 0.004%). This variant has not been reported in the literature in individuals affected with DSC2-related conditions. ClinVar contains an entry for this variant (Variation ID: 922416). Invitae Evidence Modeling of protein sequence and biophysical properties (such as structural, functional, and spatial information, amino acid conservation, physicochemical variation, residue mobility, and thermodynamic stability) indicates that this missense variant is not expected to disrupt DSC2 protein function with a negative predictive value of 80%. In summary, the available evidence is currently insufficient to determine the role of this variant in disease. Therefore, it has been classified as a Variant of Uncertain Significance.

Ambry Genetics
Classification: Benign for Cardiovascular phenotype. Last evaluated: 2025-05-03. Review status: criteria provided, single submitter. Criteria: Ambry Variant Classification Scheme 2023. Collection method: clinical testing. Allele origin: germline.

All of Us Research Program, National Institutes of Health
Classification: Uncertain significance for Familial isolated arrhythmogenic right ventricular dysplasia. Last evaluated: 2024-09-23. Review status: criteria provided, single submitter. Criteria: ACMG Guidelines, 2015. Collection method: clinical testing. Allele origin: germline. Inheritance: Autosomal dominant inheritance. Observed: 2 variant alleles, 2 heterozygotes.
Comment: This missense variant replaces arginine with leucine at codon 680 of the DSC2 protein. Computational prediction suggests that this variant may not impact protein structure and function (internally defined REVEL score threshold <= 0.5, PMID: 27666373). Splice site prediction tools suggest that this variant may not impact RNA splicing. To our knowledge, functional studies have not been performed for this variant. This variant has not been reported in individuals affected with cardiovascular disorders in the literature. This variant has been identified in 5/250914 chromosomes in the general population by the Genome Aggregation Database (gnomAD). The available evidence is insufficient to determine the role of this variant in disease conclusively. Therefore, this variant is classified as a Variant of Uncertain Significance.

This study involves interpretation of variants in research participants for the purpose of population health screening. Participant phenotype was not available at the time of variant classification. Additional details can be found in publication PMID: 35346344, PMCID: PMC8962531

Color Diagnostics, LLC DBA Color Health
Classification: Uncertain significance for Cardiomyopathy. Last evaluated: 2024-03-06. Review status: criteria provided, single submitter. Criteria: ACMG Guidelines, 2015. Collection method: clinical testing. Allele origin: germline.
Comment: This missense variant replaces arginine with leucine at codon 680 of the DSC2 protein. Computational prediction suggests that this variant may not impact protein structure and function (internally defined REVEL score threshold <= 0.5, PMID: 27666373). To our knowledge, functional studies have not been reported for this variant. This variant has not been reported in individuals affected with cardiovascular disorders in the literature. This variant has been identified in 5/250914 chromosomes in the general population by the Genome Aggregation Database (gnomAD). The available evidence is insufficient to determine the role of this variant in disease conclusively. Therefore, this variant is classified as a Variant of Uncertain Significance.

NM_024422.6(DSC2):c.2039G>T (p.Arg680Leu)

Gene: DSC2 (desmocollin 2; minus strand). Cytogenetic location: 18q12.1.
Variant type: single nucleotide variant.
Coding change: c.2039G>T on transcript NM_024422.6 (MANE Select); coding-DNA position 2039, G replaced by T.
Protein change: p.Arg680Leu; replaces arginine 680 with leucine.
Molecular consequence: missense variant.
Genome position (GRCh38, 1-based): chr18:31,071,691, C>A on the plus strand (G>T on the coding strand, the complement: DSC2 is on the minus strand). VCF-style: chr18-31071691-C-A. GRCh37 (hg19) VCF-style: chr18-28651657-C-A.
Other names: c.2039G>T, p.Arg680Leu (NM_004949.5); short protein forms R680L.
Identifiers: ClinVar variation 922416 (VCV000922416.17), dbSNP rs374002111, ClinGen allele CA034424.